The following is an entry in ClinVar:

NM_000394.4(CRYAA):c.355C>T (p.Arg119Cys)

Gene: CRYAA (crystallin alpha A; plus strand). Cytogenetic location: 21q22.3.
Variant type: single nucleotide variant.
Coding change: c.355C>T on transcript NM_000394.4 (MANE Select); coding-DNA position 355, C replaced by T.
Protein change: p.Arg119Cys; replaces arginine 119 with cysteine.
Molecular consequence: missense variant.
Genome position (GRCh38, 1-based): chr21:43,172,113, C>T. VCF-style: chr21-43172113-C-T. GRCh37 (hg19) VCF-style: chr21-44592223-C-T.
Other names: c.244C>T, p.Arg82Cys (NM_001363766.1); c.355C>T (NM_000394.3); short protein forms R82C, R119C.
Identifiers: ClinVar variation 898795 (VCV000898795.13), dbSNP rs369609046, ClinGen allele CA321171079.

ClinVar aggregate classification (germline): Uncertain significance. Review status: criteria provided, multiple submitters, no conflicts (2 of 4 stars). 3 submissions from 3 submitters: Uncertain significance (3). Last evaluated 2025-07-29.

Conditions:
Cataract 9 multiple types. Also called: Cataract 9, multiple types, with or without microcornea; Cataract, autosomal recessive congenital 1. Identifiers: Orphanet 1377, MedGen C1858679, MONDO:0011413, OMIM 604219.

Allele frequency attached by ClinVar (database versions not stated): ExAC 0.00007; gnomAD exomes 0.00008; ESP Exome Variant Server 0.00015.

Submissions (3):

GeneDx
Classification: Uncertain significance. Last evaluated: 2025-07-29. Review status: criteria provided, single submitter. Criteria: GeneDx Variant Classification Process June 2021. Collection method: clinical testing. Allele origin: germline.
Comment: In silico analysis supports that this missense variant has a deleterious effect on protein structure/function; Has not been previously published as pathogenic or benign to our knowledge; This variant is associated with the following publications: (PMID: 19182255, 21042563)

Labcorp Genetics (formerly Invitae), Labcorp
Classification: Uncertain significance for Cataract 9 multiple types. Last evaluated: 2023-03-31. Review status: criteria provided, single submitter. Criteria: Invitae Variant Classification Sherloc (09022015). Collection method: clinical testing. Allele origin: germline.
Comment: Algorithms developed to predict the effect of missense changes on protein structure and function output the following: SIFT: "Not Available"; PolyPhen-2: "Possibly Damaging"; Align-GVGD: "Not Available". The cysteine amino acid residue is found in multiple mammalian species, which suggests that this missense change does not adversely affect protein function. In summary, the available evidence is currently insufficient to determine the role of this variant in disease. Therefore, it has been classified as a Variant of Uncertain Significance. ClinVar contains an entry for this variant (Variation ID: 898795). This variant has not been reported in the literature in individuals affected with CRYAA-related conditions. This variant is present in population databases (rs369609046, gnomAD 0.01%). This sequence change replaces arginine, which is basic and polar, with cysteine, which is neutral and slightly polar, at codon 119 of the CRYAA protein (p.Arg119Cys).

Illumina Laboratory Services, Illumina
Classification: Uncertain significance for Cataract 9 multiple types. Last evaluated: 2017-04-27. Review status: criteria provided, single submitter. Criteria: ICSL Variant Classification Criteria 13 December 2019. Collection method: clinical testing. Allele origin: germline.
Comment: This variant was observed as part of a predisposition screen in an ostensibly healthy population. A literature search was performed for the gene, cDNA change, and amino acid change (where applicable). Publications were found based on this search. However, the evidence from the literature, in combination with allele frequency data from public databases where available, was not sufficient to rule this variant in or out of causing disease. Therefore, this variant is classified as a variant of unknown significance.

Literature cited by the submitters: PubMed 21042563 (cited by Illumina Laboratory Services, Illumina); PubMed 19182255 (cited by Illumina Laboratory Services, Illumina).